The following is an entry in ClinVar:

ClinVar aggregate classification (germline): Conflicting classifications of pathogenicity. Review status: criteria provided, conflicting classifications (1 of 4 stars). 6 submissions from 6 submitters: Likely pathogenic (1); Uncertain significance (5). Last evaluated 2025-04-25.

Conditions:
Retinal disorder. Also called: Retinopathies; Retinal Diseases; Retinopathy; Retinal disorders. Identifiers: MedGen C0035309, MONDO:0005283, HP:0000488.
Dyskeratosis congenita, autosomal recessive 5 (DKCB5). Identifiers: MedGen C3554656, MONDO:0014076, OMIM 615190.
Pulmonary fibrosis and/or bone marrow failure, Telomere-related, 3. Also called: PULMONARY FIBROSIS AND/OR BONE MARROW FAILURE SYNDROME, TELOMERE-RELATED, 3. Identifiers: Orphanet 2032, MedGen C4225346, MONDO:0014613, OMIM 616373.

Allele frequency attached by ClinVar (database versions not stated): gnomAD exomes below 0.00001 and 0.00001; ExAC 0.00001; TOPMed 0.00001.
gnomAD v4.1: 7 of 1,612,690 alleles (0.00043%); highest among the groups gnomAD compares: Non-Finnish European, 0.00059%; no homozygotes.

Submissions (6):

GeneDx
Classification: Uncertain significance. Last evaluated: 2025-04-25. Review status: criteria provided, single submitter. Criteria: GeneDx Variant Classification Process June 2021. Collection method: clinical testing. Allele origin: germline. Affected: yes.
Comment: Not observed at significant frequency in large population cohorts (gnomAD); In silico analysis supports that this missense variant has a deleterious effect on protein structure/function; This variant is associated with the following publications: (PMID: 29361909, 38363828)

Labcorp Genetics (formerly Invitae), Labcorp
Classification: Uncertain significance for Dyskeratosis congenita, autosomal recessive 5; Pulmonary fibrosis and/or bone marrow failure, Telomere-related, 3. Last evaluated: 2024-11-15. Review status: criteria provided, single submitter. Criteria: Invitae Variant Classification Sherloc (09022015). Collection method: clinical testing. Allele origin: germline.
Comment: This sequence change replaces phenylalanine, which is neutral and non-polar, with isoleucine, which is neutral and non-polar, at codon 559 of the RTEL1 protein (p.Phe559Ile). This variant is present in population databases (rs747497376, gnomAD 0.0009%). This missense change has been observed in individual(s) with familial interstitial pneumonia (PMID: 29361909). ClinVar contains an entry for this variant (Variation ID: 473909). An algorithm developed to predict the effect of missense changes on protein structure and function (PolyPhen-2) suggests that this variant is likely to be disruptive. In summary, the available evidence is currently insufficient to determine the role of this variant in disease. Therefore, it has been classified as a Variant of Uncertain Significance.

Blueprint Genetics
Classification: Uncertain significance. Last evaluated: 2024-05-29. Review status: criteria provided, single submitter. Criteria: ACMG Guidelines, 2015. Collection method: clinical testing. Allele origin: germline.

CeGaT Center for Human Genetics Tuebingen
Classification: Uncertain significance. Last evaluated: 2023-07-01. Review status: criteria provided, single submitter. Criteria: CeGaT Center For Human Genetics Tuebingen Variant Classification Criteria Version 2. Collection method: clinical testing. Allele origin: germline. Affected: yes. Observed: 1 variant allele.
Comment: RTEL1: PM2:Supporting, PP3

AURAGEN, Plan France Médecine Génomique
Classification: Likely pathogenic for Retinal disorder. Last evaluated: 2022-02-15. Review status: criteria provided, single submitter. Criteria: PFMG2025 (Lancet Reg Health Eur. 2025). Collection method: clinical testing. Allele origin: germline. Affected: yes.

Neuberg Centre For Genomic Medicine, NCGM
Classification: Uncertain significance for Dyskeratosis congenita, autosomal recessive 5. Review status: criteria provided, single submitter. Criteria: ACMG Guidelines, 2015. Collection method: clinical testing. Allele origin: germline. Inheritance: Autosomal recessive inheritance. Affected: yes.

Literature cited by the submitters: PubMed 29361909 (cited by Labcorp Genetics (formerly Invitae), Labcorp).

NM_001283009.2(RTEL1):c.1675T>A (p.Phe559Ile)

Genes: RTEL1 (regulator of telomere elongation helicase 1; plus strand), RTEL1-TNFRSF6B (RTEL1-TNFRSF6B readthrough (NMD candidate); plus strand). Cytogenetic location: 20q13.33.
Variant type: single nucleotide variant.
Coding change: c.1675T>A on transcript NM_001283009.2 (MANE Select); coding-DNA position 1675, T replaced by A.
Protein change: p.Phe559Ile; replaces phenylalanine 559 with isoleucine.
Molecular consequence: missense variant. On other transcripts: non-coding transcript variant (1).
Genome position (GRCh38, 1-based): chr20:63,688,339, T>A. VCF-style: chr20-63688339-T-A. GRCh37 (hg19) VCF-style: chr20-62319692-T-A.
Other names: c.1006T>A, p.Phe336Ile (NM_001283010.1); c.1675T>A, p.Phe559Ile (NM_016434.4); c.1747T>A, p.Phe583Ile (NM_032957.5); short protein forms F559I, F583I, F336I.
Identifiers: ClinVar variation 473909 (VCV000473909.38), dbSNP rs747497376, ClinGen allele CA9964919.